The following is an entry in ClinVar:

ClinVar aggregate classification (germline): Uncertain significance. Review status: criteria provided, multiple submitters, no conflicts (2 of 4 stars). 3 submissions from 3 submitters: Uncertain significance (3). Last evaluated 2025-07-03.

Conditions:
Cardiovascular phenotype. Identifiers: MedGen CN230736.
Familial hypercholesterolemia. Also called: Familial hypercholesterolaemia. Identifiers: MedGen C0020445, MONDO:0005439.

Allele frequency attached by ClinVar (database versions not stated): gnomAD exomes below 0.00001; TOPMed 0.00001.
gnomAD v4.1: 1 of 1,614,146 alleles (0.000062%); highest among the groups gnomAD compares: East Asian, 0.0022%; no homozygotes.

Submissions (3):

Women's Health and Genetics/Laboratory Corporation of America, LabCorp
Classification: Uncertain significance. Last evaluated: 2025-07-03. Review status: criteria provided, single submitter. Criteria: LabCorp Variant Classification Summary - May 2015. Collection method: clinical testing. Allele origin: germline.

Color Diagnostics, LLC DBA Color Health
Classification: Uncertain significance for Familial hypercholesterolemia. Last evaluated: 2024-03-06. Review status: criteria provided, single submitter. Criteria: ACMG Guidelines, 2015. Collection method: clinical testing. Allele origin: germline.
Comment: This missense variant replaces alanine with glycine at codon 100 of the PCSK9 protein. Computational prediction suggests that this variant may not impact protein structure and function (internally defined REVEL score threshold <= 0.5, PMID: 27666373). To our knowledge, functional studies have not been reported for this variant. This variant has not been reported in individuals affected with PCSK9-related disorders in the literature. This variant has been identified in 1/251322 chromosomes in the general population by the Genome Aggregation Database (gnomAD). The available evidence is insufficient to determine the role of this variant in disease conclusively. Therefore, this variant is classified as a Variant of Uncertain Significance.

Ambry Genetics
Classification: Uncertain significance for Cardiovascular phenotype. Last evaluated: 2022-02-07. Review status: criteria provided, single submitter. Criteria: Ambry Variant Classification Scheme 2023. Collection method: clinical testing. Allele origin: germline.
Comment: The p.A100G variant (also known as c.299C>G), located in coding exon 2 of the PCSK9 gene, results from a C to G substitution at nucleotide position 299. The alanine at codon 100 is replaced by glycine, an amino acid with similar properties. This amino acid position is conserved. In addition, this alteration is predicted to be tolerated by in silico analysis. Since supporting evidence is limited at this time, the clinical significance of this alteration remains unclear.

NM_174936.4(PCSK9):c.299C>G (p.Ala100Gly)

Gene: PCSK9 (proprotein convertase subtilisin/kexin type 9; plus strand). Cytogenetic location: 1p32.3.
Variant type: single nucleotide variant.
Coding change: c.299C>G on transcript NM_174936.4 (MANE Select); coding-DNA position 299, C replaced by G.
Protein change: p.Ala100Gly; replaces alanine 100 with glycine.
Molecular consequence: missense variant.
Genome position (GRCh38, 1-based): chr1:55,043,934, C>G. VCF-style: chr1-55043934-C-G. GRCh37 (hg19) VCF-style: chr1-55509607-C-G.
Other names: short protein forms A100G.
Identifiers: ClinVar variation 928288 (VCV000928288.9), dbSNP rs1484569818, ClinGen allele CA340483690.